The following is an entry in ClinVar:

ClinVar aggregate classification (germline): Uncertain significance (1 of 4 stars; one submission).

Conditions:
Charcot-Marie-Tooth disease type 2E (CMT2E). Also called: CHARCOT-MARIE-TOOTH DISEASE, AXONAL, TYPE 2E; CHARCOT-MARIE-TOOTH NEUROPATHY, TYPE 2E. Identifiers: Orphanet 99939, MedGen C1843225, MONDO:0011894, OMIM 607684.

Allele frequency attached by ClinVar (database versions not stated): TOPMed below 0.00001; gnomAD 0.00001; gnomAD exomes 0.00001.

Submission:

Labcorp Genetics (formerly Invitae), Labcorp
Classification: Uncertain significance for Charcot-Marie-Tooth disease type 2E. Last evaluated: 2020-09-02. Review status: criteria provided, single submitter. Criteria: Invitae Variant Classification Sherloc (09022015). Collection method: clinical testing. Allele origin: germline.
Comment: In summary, the available evidence is currently insufficient to determine the role of this variant in disease. Therefore, it has been classified as a Variant of Uncertain Significance. Algorithms developed to predict the effect of missense changes on protein structure and function (SIFT, PolyPhen-2, Align-GVGD) all suggest that this variant is likely to be tolerated, but these predictions have not been confirmed by published functional studies and their clinical significance is uncertain. This variant has not been reported in the literature in individuals with NEFL-related disease. This variant is not present in population databases (ExAC no frequency). This sequence change replaces methionine with isoleucine at codon 434 of the NEFL protein (p.Met434Ile). The methionine residue is highly conserved and there is a small physicochemical difference between methionine and isoleucine.

NM_006158.5(NEFL):c.1302G>A (p.Met434Ile)

Gene: NEFL (neurofilament light chain; minus strand). Cytogenetic location: 8p21.2.
Variant type: single nucleotide variant.
Coding change: c.1302G>A on transcript NM_006158.5 (MANE Select); coding-DNA position 1302, G replaced by A.
Protein change: p.Met434Ile; replaces methionine 434 with isoleucine.
Molecular consequence: missense variant.
Genome position (GRCh38, 1-based): chr8:24,953,663, C>T on the plus strand (G>A on the coding strand, the complement: NEFL is on the minus strand). VCF-style: chr8-24953663-C-T. GRCh37 (hg19) VCF-style: chr8-24811177-C-T.
Other names: short protein forms M434I.
Identifiers: ClinVar variation 644708 (VCV000644708.4), dbSNP rs922905627, ClinGen allele CA174058711.